The following is an entry in ClinVar:

NM_000492.4(CFTR):c.1657C>T (p.Arg553Ter)

Genes: CFTR (CF transmembrane conductance regulator; plus strand), LOC111674475 (CFTR intron 11 enhancer; plus strand). Cytogenetic location: 7q31.2.
Variant type: single nucleotide variant.
Coding change: c.1657C>T on transcript NM_000492.4 (MANE Select); coding-DNA position 1657, C replaced by T.
Protein change: p.Arg553Ter; replaces arginine 553 with a stop codon.
Molecular consequence: nonsense.
Genome position (GRCh38, 1-based): chr7:117,587,811, C>T. VCF-style: chr7-117587811-C-T. GRCh37 (hg19) VCF-style: chr7-117227865-C-T.
Other names: short protein forms R553*.
Identifiers: ClinVar variation 7122 (VCV000007122.149), dbSNP rs74597325, ClinGen allele CA340635.

ClinVar aggregate classification (germline): Pathogenic. Review status: practice guideline (4 of 4 stars). 33 submissions from 32 submitters: Pathogenic (1). 32 of the submissions do not count toward it. Last evaluated 2004-03-03.

Conditions:
CFTR-related disorder (CFTR-RD). Also called: CFTR-related condition; CFTR-related disorders. Identifiers: MedGen C5924204, MONDO:7770004.
Cystic fibrosis (CF). Also called: MUCOVISCIDOSIS. Identifiers: Orphanet 586, MedGen C0010674, MONDO:0009061, OMIM 219700. Disease mechanism: loss of function.
Congenital bilateral aplasia of vas deferens from CFTR mutation (CBAVD). Identifiers: Orphanet 48, MedGen C0403814, MONDO:0010178, OMIM 277180. Disease mechanism: loss of function.
Hereditary pancreatitis (PCTT). Also called: PRSS1-Related Hereditary Pancreatitis; Hereditary chronic pancreatitis. Identifiers: Orphanet 676, MedGen C0238339, MONDO:0008185, OMIM 167800.
Bronchiectasis with or without elevated sweat chloride 1 (BESC1). Also called: Cystic Fibrosis-Like Syndrome. Identifiers: Orphanet 60033, MedGen C2749757, MONDO:0008887, OMIM 211400.

Allele frequency attached by ClinVar (database versions not stated): gnomAD exomes 0.00007 and 0.00010; TOPMed 0.00010; gnomAD 0.00011 and 0.00012; ExAC 0.00012; 1000 Genomes Project 30x 0.00016; 1000 Genomes Project 0.00020.
gnomAD v4.1: 156 of 1,606,458 alleles (0.0097%); highest among the groups gnomAD compares: Non-Finnish European, 0.012%; no homozygotes.

Submissions 1 to 10 of 33:

American College of Medical Genetics and Genomics  (ACMG)
Classification: Pathogenic for Cystic fibrosis. Last evaluated: 2004-03-03. Review status: practice guideline. Criteria: Guideline for cystic fibrosis carrier screening. Collection method: curation. Allele origin: germline. Inheritance: Autosomal recessive inheritance. Study: The ACMG recommended carrier screening panel.
ClinVar note: Converted during submission from pathogenic to Pathogenic.

CFTR2
Classification: Pathogenic for Cystic fibrosis. Last evaluated: 2017-03-17. Review status: reviewed by expert panel. Criteria: Sosnay PR et al. (Nat Genet 2013). Collection method: research. Allele origin: germline. Affected: yes. Study: CFTR2. Not counted in ClinVar's aggregate classification.

PreventionGenetics, part of Exact Sciences
Classification: Pathogenic for CFTR-related condition. Last evaluated: 2026-05-27. Review status: criteria provided, single submitter. Criteria: ACMG Guidelines, 2015. Collection method: clinical testing. Allele origin: germline. Not counted in ClinVar's aggregate classification.
Comment: The CFTR c.1657C>T variant is predicted to result in premature protein termination (p.Arg553*). This variant has been documented as causative for cystic fibrosis (see, for example, Cutting et al. 1990. PubMed ID: 1695717). This variant is reported in 0.012% of alleles in individuals of European (Non-Finnish) descent in gnomAD. Nonsense variants in CFTR are expected to be pathogenic. This variant is interpreted as pathogenic.

Institute of Human Genetics, University of Leipzig Medical Center
Classification: Pathogenic for Cystic fibrosis. Last evaluated: 2026-03-27. Review status: criteria provided, single submitter. Criteria: ACMG Guidelines, 2015. Collection method: clinical testing. Allele origin: unknown. Inheritance: Autosomal recessive inheritance. Affected: yes. Not counted in ClinVar's aggregate classification.
Comment: Criteria applied: PVS1,PM3_VSTR, PP4

Labcorp Genetics (formerly Invitae), Labcorp
Classification: Pathogenic for Cystic fibrosis. Last evaluated: 2026-01-27. Review status: criteria provided, single submitter. Criteria: Invitae Variant Classification Sherloc (09022015). Collection method: clinical testing. Allele origin: germline. Not counted in ClinVar's aggregate classification.
Comment: This sequence change creates a premature translational stop signal (p.Arg553*) in the CFTR gene. It is expected to result in an absent or disrupted protein product. Loss-of-function variants in CFTR are known to be pathogenic (PMID: 1695717, 7691345, 9725922). This variant is present in population databases (rs74597325, gnomAD 0.01%). This premature translational stop signal has been observed in individual(s) with cystic fibrosis, congenital absence of the vas deferens, and recurrent pancreatitis (PMID: 1695717, 7693946, 9272157, 16283068, 21520337, 22658665, 23974870). In at least one individual the data is consistent with being in trans (on the opposite chromosome) from a pathogenic variant. ClinVar contains an entry for this variant (Variation ID: 7122). For these reasons, this variant has been classified as Pathogenic.

Ambry Genetics
Classification: Pathogenic for Cystic fibrosis. Last evaluated: 2025-09-09. Review status: criteria provided, single submitter. Criteria: Ambry Variant Classification Scheme 2023. Collection method: clinical testing. Allele origin: germline. Not counted in ClinVar's aggregate classification.
Comment: The p.R553* pathogenic mutation (also known as c.1657C>T), located in coding exon 12 of the CFTR gene, results from a C to T substitution at nucleotide position 1657. This changes the amino acid at codon 553 from an arginine to a stop codon. This mutation was first described in two African American individuals with cystic fibrosis, one of whom was compound heterozygous for a pathogenic CFTR mutation on the other chromosome (Cutting GR et al. Nature.1990;346(6282):366-369). One study described a homozygous individual who presented with pancreatic insufficiency (PI) and elevated sweat chloride levels (Stanke F et al. J Med Genet. 2008;45(1):47-54). This pathogenic mutation is associated with elevated sweat chloride levels, pancreatic insufficiency, and decreased lung function (Sosnay PR et al. Nat Genet. 2013;45(10):1160-1167). In addition to the clinical data presented in the literature, this alteration is expected to result in loss of function by premature protein truncation or nonsense-mediated mRNA decay. As such, this alteration is interpreted as a disease-causing mutation.

Natera, Inc.
Classification: Pathogenic for CFTR-related disorders. Last evaluated: 2025-07-02. Review status: criteria provided, single submitter. Criteria: Natera Variant Classification Schema (03/2026). Collection method: clinical testing. Allele origin: germline. Not counted in ClinVar's aggregate classification.
Comment: The c.1657C>T variant in CFTR is a nonsense variant predicted to introduce a stop codon at amino acid 553. This variant is expected to result in nonsense mediated decay, truncation, or a dysfunctional protein product. This variant is rare in the general population with a frequency below the threshold expected for the associated phenotype(s). This variant has been observed in one or more individuals affected with the associated recessive disease, as either homozygous or compound heterozygous with a second variant (PMID: 35858753). Given the available evidence, this variant is classified as Pathogenic.

Genomic Medicine Center of Excellence, King Faisal Specialist Hospital and Research Centre
Classification: Pathogenic for Cystic fibrosis. Last evaluated: 2024-12-17. Review status: criteria provided, single submitter. Criteria: ACMG Guidelines, 2015. Collection method: clinical testing. Allele origin: germline. Not counted in ClinVar's aggregate classification.

ARUP Laboratories, Molecular Genetics and Genomics, ARUP Laboratories
Classification: Pathogenic for Cystic fibrosis. Last evaluated: 2024-11-25. Review status: criteria provided, single submitter. Criteria: ARUP Molecular Germline Variant Investigation Process 2024. Collection method: clinical testing. Allele origin: germline. Not counted in ClinVar's aggregate classification.
Comment: The CFTR c.1657C>T; p.Arg553Ter variant (rs74597325) is reported in multiple cystic fibrosis patients with pancreatic insufficiency (Bal 1991, Cheadle 1992, Chen 2005, Cutting 1990, Cutting 1990b, Gallati 2009, Ooi 2012, Sheridan 2011, Sosnay 2013, CFTR2 database). Functional characterization indicates that the variant not only leads to severe mRNA depletion (Hamosh 1992), but also causes aberrant splicing (skipping of exon 11) that results in a frameshift (Aznarez 2007). This variant is reported in ClinVar (Variation ID: 7122). It is observed in the general population with an overall allele frequency of 0.007% (20/282170 alleles) in the Genome Aggregation Database. Based on available information, this variant is considered to be pathogenic. References: CFTR2 database: Aznarez I et al. Exon skipping through the creation of a putative exonic splicing silencer as a consequence of the cystic fibrosis mutation R553X. J Med Genet. 2007 May;44(5):341-6. Bal J et al. A cystic fibrosis patient homozygous for the nonsense mutation R553X. J Med Genet. 1991 Oct;28(10):715-7. Cheadle J et al. Mild pulmonary disease in a cystic fibrosis child homozygous for R553X. J Med Genet. 1992 Aug;29(8):597. Chen HJ et al. Cystic fibrosis with homozygous R553X mutation in a Taiwanese child. J Hum Genet. 2005;50(12):674-8. Cutting GR et al. A cluster of cystic fibrosis mutations in the first nucleotide-binding fold of the cystic fibrosis conductance regulator protein. Nature. 1990 Jul 26;346(6282):366-9. Cutting GR et al. Two patients with cystic fibrosis, nonsense mutations in each cystic fibrosis gene, and mild pulmonary disease. N Engl J Med. 1990b Dec 13;323(24):1685-9. Gallati S et al Cystic fibrosis transmembrane conductance regulator mutations in azoospermic and oligospermic men and their partners. Reprod Biomed Online. 2009 Nov;19(5):685-94. Hamosh A et al. CFTR nonsense mutations G542X and W1282X associated with severe reduction of CFTR mRNA in nasal epithelial cells. Hum Mol Genet. 1992 Oct;1(7):542-4. Ooi CY et al. Cystic fibrosis transmembrane conductance regulator (CFTR) gene mutations in pancreatitis. J Cyst Fibros. 2012 Sep;11(5):355-62. Sheridan MB et al. CFTR transcription defects in pancreatic sufficient cystic fibrosis patients with only one mutation in the coding region of CFTR. J Med Genet. 2011 Apr;48(4):235-41. Sosnay PR et al. Defining the disease liability of variants in the cystic fibrosis transmembrane conductance regulator gene. Nat Genet. 2013 Oct;45(10):1160-7.

Dasa
Classification: Pathogenic. Last evaluated: 2024-11-13. Review status: criteria provided, single submitter. Criteria: DASA Assertion Criteria. Collection method: clinical testing. Allele origin: germline. Not counted in ClinVar's aggregate classification.
Comment: NM_000492.4(CFTR):c.1657C>T (p.Arg553Ter) introduces a premature termination codon predicted to result in loss of normal protein function. Loss-of-function is an established mechanism of disease for this gene. This variant has been recurrently observed in individuals with related phenotype (PMID: 1695717; PMID: 9272157; PMID: 16283068; PMID: 21520337; PMID: 7693946). The variant is present at low frequency in population datasets. Based on the available data, this variant is classified as pathogenic.